The following is an entry in ClinVar:

NM_152515.5(CKAP2L):c.1463_1467del (p.Thr488fs)

Gene: CKAP2L (cytoskeleton associated protein 2L; minus strand). Cytogenetic location: 2q14.1.
Variant type: Deletion.
Coding change: c.1463_1467del on transcript NM_152515.5 (MANE Select); coding-DNA positions 1463 to 1467, 5 bases deleted (CAAAA; older notation c.1463_1467delCAAAA).
Protein change: p.Thr488fs; shifts the reading frame from threonine 488.
Molecular consequence: frameshift variant. On other transcripts: non-coding transcript variant (1).
Genome position (GRCh38, 1-based): chr2:112,752,402-112,752,406, TTTTG deleted on the plus strand (CAAAA on the coding strand, the reverse complement: CKAP2L is on the minus strand); deleting any 5 consecutive bases within chr2:112,752,402-112,752,410 gives the same sequence; the c. name uses the placement nearest the transcript's 3' end. VCF-style (leftmost placement, unchanged base first): chr2-112752401-TTTTTG-T. GRCh37 (hg19) VCF-style: chr2-113509978-TTTTTG-T.
Other names: c.968_972del, p.Thr323fs (NM_001304361.2); short protein forms T323fs, T488fs.
Identifiers: ClinVar variation 1183968 (VCV001183968.5), dbSNP rs751000250, ClinGen allele CA1836642.

ClinVar aggregate classification (germline): Pathogenic/Likely pathogenic. Review status: criteria provided, multiple submitters, no conflicts (2 of 4 stars). 3 submissions from 3 submitters: Pathogenic (1); Likely pathogenic (1). 1 of the submissions does not count toward it. Last evaluated 2025-06-27.

Conditions:
Intellectual disability. Also called: Intellectual functioning disability; intellectual disabilities; Intellectual developmental disorder. Identifiers: MedGen C3714756, MeSH D008607, MONDO:0001071, HP:0001249.
Hypogonadism. Identifiers: MedGen C0020619, MONDO:0002146, HP:0000135.
Filippi syndrome (FLPIS). Identifiers: Orphanet 3255, MedGen C0795940, MONDO:0010092, OMIM 272440.

Submissions (3):

Victorian Clinical Genetics Services, Murdoch Childrens Research Institute
Classification: Pathogenic for Filippi syndrome. Last evaluated: 2025-06-27. Review status: criteria provided, single submitter. Criteria: ACMG Guidelines, 2015. Collection method: clinical testing. Allele origin: germline. Affected: yes.
Comment: This variant is classified as Pathogenic. Evidence in support of pathogenic classification: Variant is predicted to cause nonsense-mediated decay (NMD) and loss of protein (premature termination codon is located at least 54 nucleotides upstream of the final exon-exon junction); Variant is present in gnomAD <0.01 for a recessive condition (v4: 49 heterozygote(s), 0 homozygote(s)); This variant has limited previous evidence of pathogenicity in unrelated individuals. This variant has been classified as likely pathogenic by a clinical laboratory in ClinVar, and has been reported in the literature in a homozygous state in an individual with Filippi syndrome (PMID: 38738944); Other NMD-predicted variants comparable to the one identified in this case have very strong previous evidence for pathogenicity (DECIPHER). Additional information: This variant is homozygous; This gene is associated with autosomal recessive disease; No published functional evidence has been identified for this variant; Loss of function is a known mechanism of disease in this gene and is associated with Filippi syndrome (MIM#272440); Inheritance information for this variant is not currently available in this individual.

Dasa
Classification: Likely pathogenic. Last evaluated: 2024-12-16. Review status: criteria provided, single submitter. Criteria: DASA Assertion Criteria. Collection method: clinical testing. Allele origin: germline.
Comment: NM_152515.5(CKAP2L):c.1463_1467del (p.Thr488Lysfs*16) is a frameshift variant in CKAP2L predicted to alter the reading frame and introduce a premature termination codon and is predicted to result in an absent or altered protein product. Loss of function is an established disease mechanism for CKAP2L-associated disorders. Also, this variant is rare in population databases. Based on the currently available evidence, this variant is classified as likely pathogenic.

Institute of Human Genetics, University of Wuerzburg
Classification: Likely pathogenic for Intellectual disability; Hypogonadism. Review status: no assertion criteria provided. Collection method: clinical testing. Allele origin: unknown. Not counted in ClinVar's aggregate classification.

Literature cited by the submitters: PubMed 38738944 (cited by Victorian Clinical Genetics Services, Murdoch Childrens Research Institute).